The following is an entry in ClinVar:

NM_206926.2(SELENON):c.1168C>A (p.Pro390Thr)

Gene: SELENON (selenoprotein N; plus strand). Cytogenetic location: 1p36.11.
Variant type: single nucleotide variant.
Coding change: c.1168C>A on transcript NM_206926.2 (MANE Select); coding-DNA position 1168, C replaced by A.
Protein change: p.Pro390Thr; replaces proline 390 with threonine.
Molecular consequence: missense variant.
Genome position (GRCh38, 1-based): chr1:25,811,868, C>A. VCF-style: chr1-25811868-C-A. GRCh37 (hg19) VCF-style: chr1-26138359-C-A.
Other names: c.1270C>A, p.Pro424Thr (NM_020451.3); c.1270C>A (NM_020451.2); short protein forms P424T, P390T.
Identifiers: ClinVar variation 2146084 (VCV002146084.5), dbSNP rs1426277317, ClinGen allele CA339117597.

ClinVar aggregate classification (germline): Uncertain significance. Review status: criteria provided, multiple submitters, no conflicts (2 of 4 stars). 2 submissions from 2 submitters: Uncertain significance (2). Last evaluated 2026-09-11.

Conditions:
Inborn genetic diseases. Identifiers: MedGen C0950123, MeSH D030342.
Eichsfeld type congenital muscular dystrophy (CMYO3). Also called: MYOPATHY, SEPN1-RELATED; SELENON-related myopathy; Congenital myopathy 3 with rigid spine; Rigid spine muscular dystrophy 1. Identifiers: MedGen C0410180, MONDO:0100100, OMIM 602771.

Allele frequency attached by ClinVar (database versions not stated): gnomAD exomes 0.00001; TOPMed below 0.00001.
gnomAD v4.1: 7 of 1,565,178 alleles (0.00045%); highest among the groups gnomAD compares: Non-Finnish European, 0.00061%; no homozygotes.

Submissions (2):

Ambry Genetics
Classification: Uncertain significance for Inborn genetic diseases. Last evaluated: 2026-09-11. Review status: criteria provided, single submitter. Criteria: Ambry Variant Classification Scheme 2023. Collection method: clinical testing. Allele origin: germline.

Labcorp Genetics (formerly Invitae), Labcorp
Classification: Uncertain significance for Eichsfeld type congenital muscular dystrophy. Last evaluated: 2023-12-06. Review status: criteria provided, single submitter. Criteria: Invitae Variant Classification Sherloc (09022015). Collection method: clinical testing. Allele origin: germline.
Comment: This sequence change replaces proline, which is neutral and non-polar, with threonine, which is neutral and polar, at codon 424 of the SELENON protein (p.Pro424Thr). This variant is not present in population databases (gnomAD no frequency). This variant has not been reported in the literature in individuals affected with SELENON-related conditions. ClinVar contains an entry for this variant (Variation ID: 2146084). Advanced modeling of protein sequence and biophysical properties (such as structural, functional, and spatial information, amino acid conservation, physicochemical variation, residue mobility, and thermodynamic stability) has been performed at Invitae for this missense variant, however the output from this modeling did not meet the statistical confidence thresholds required to predict the impact of this variant on SELENON protein function. In summary, the available evidence is currently insufficient to determine the role of this variant in disease. Therefore, it has been classified as a Variant of Uncertain Significance.